The following is an entry in ClinVar:

ClinVar aggregate classification (germline): Pathogenic. Review status: criteria provided, multiple submitters, no conflicts (2 of 4 stars). 2 submissions from 2 submitters: Pathogenic (2). Last evaluated 2024-04-01.

Conditions:
Adams-Oliver syndrome 5 (AOS5). Identifiers: Orphanet 974, MedGen C4014970, MONDO:0014459, OMIM 616028.
NOTCH1-related disorder. Also called: NOTCH1-related condition; NOTCH1-related disorders.

Submissions (2):

Daryl Scott Lab, Baylor College of Medicine
Classification: Pathogenic for NOTCH1-related disorder. Last evaluated: 2024-04-01. Review status: criteria provided, single submitter. Criteria: ACMG Guidelines, 2015. Collection method: clinical testing. Allele origin: unknown. Affected: yes. Observed: 1 heterozygote.
Comment: PVS1, PM2

Baylor Genetics
Classification: Pathogenic for Adams-Oliver syndrome 5. Last evaluated: 2023-11-22. Review status: criteria provided, single submitter. Criteria: ACMG Guidelines, 2015. Collection method: clinical testing. Allele origin: unknown.

NM_017617.5(NOTCH1):c.3684del (p.Val1229fs)

Gene: NOTCH1 (notch receptor 1; minus strand). Cytogenetic location: 9q34.3.
Variant type: Deletion.
Coding change: c.3684del on transcript NM_017617.5 (MANE Select); coding-DNA position 3684, one base deleted (C; older notation c.3684delC).
Protein change: p.Val1229fs; shifts the reading frame from valine 1229.
Molecular consequence: frameshift variant.
Genome position (GRCh38, 1-based): chr9:136,506,933, G deleted on the plus strand (C on the coding strand, the reverse complement: NOTCH1 is on the minus strand); the first of 6 consecutive G bases (chr9:136,506,933-136,506,938); deleting any one gives the same sequence. VCF-style (leftmost placement, unchanged base first): chr9-136506932-CG-C. GRCh37 (hg19) VCF-style: chr9-139401384-CG-C.
Other names: short protein forms V1229fs.
Identifiers: ClinVar variation 2671929 (VCV002671929.2), dbSNP rs2133344193, ClinGen allele CA2692637037.
Genomic context (GRCh38, chr9:136,506,932, plus strand): 5'-CCACCTGGTCCACGCAGGTGCCGTTGTTAAAGCACTTGGGGCTCCGGGACACGGGGTCAA[CG>C]GGGGGATTGCAGTCGTCCACGTTGATCTCACAGTGCACACCTGCGGGGCCAGGTTTCGTC-3'